The following is an entry in ClinVar:

ClinVar aggregate classification (germline): Uncertain significance (1 of 4 stars; one submission).

Conditions:
Joubert syndrome. Also called: CEREBELLOPARENCHYMAL DISORDER IV; JOUBERT-BOLTSHAUSER SYNDROME; Familial aplasia of the vermis. Identifiers: Orphanet 475, MedGen C5979921, MONDO:0018772.
Meckel-Gruber syndrome. Also called: DYSENCEPHALIA SPLANCHNOCYSTICA; GRUBER SYNDROME; Dysencephalia splachnocystica. Identifiers: Orphanet 564, MedGen C0265215, MONDO:0018921.

Submission:

Labcorp Genetics (formerly Invitae), Labcorp
Classification: Uncertain significance for Joubert syndrome; Meckel-Gruber syndrome. Last evaluated: 2022-06-27. Review status: criteria provided, single submitter. Criteria: Invitae Variant Classification Sherloc (09022015). Collection method: clinical testing. Allele origin: germline.
Comment: In summary, the available evidence is currently insufficient to determine the role of this variant in disease. Therefore, it has been classified as a Variant of Uncertain Significance. Algorithms developed to predict the effect of missense changes on protein structure and function output the following: SIFT: "Tolerated"; PolyPhen-2: "Benign"; Align-GVGD: "Class C15". The valine amino acid residue is found in multiple mammalian species, which suggests that this missense change does not adversely affect protein function. This variant has not been reported in the literature in individuals affected with RPGRIP1L-related conditions. This variant is not present in population databases (gnomAD no frequency). This sequence change replaces isoleucine, which is neutral and non-polar, with valine, which is neutral and non-polar, at codon 673 of the RPGRIP1L protein (p.Ile673Val).

NM_015272.5(RPGRIP1L):c.2017A>G (p.Ile673Val)

Gene: RPGRIP1L (RPGRIP1 like; minus strand). Cytogenetic location: 16q12.2.
Variant type: single nucleotide variant.
Coding change: c.2017A>G on transcript NM_015272.5 (MANE Select); coding-DNA position 2017, A replaced by G.
Protein change: p.Ile673Val; replaces isoleucine 673 with valine.
Molecular consequence: missense variant.
Genome position (GRCh38, 1-based): chr16:53,652,670, T>C on the plus strand (A>G on the coding strand, the complement: RPGRIP1L is on the minus strand). VCF-style: chr16-53652670-T-C. GRCh37 (hg19) VCF-style: chr16-53686582-T-C.
Other names: c.2017A>G, p.Ile673Val (NM_001127897.4, NM_001308334.3, NM_001330538.2); short protein forms I673V.
Identifiers: ClinVar variation 1347169 (VCV001347169.8), dbSNP rs2151125534, ClinGen allele CA395916830.